The following is an entry in ClinVar:

NM_000051.4(ATM):c.72+4_72+5insC

Gene: ATM (ATM serine/threonine kinase; plus strand). Cytogenetic location: 11q22.3.
Variant type: Insertion.
Coding change: c.72+4_72+5insC on transcript NM_000051.4 (MANE Select); bases 4 to 5 of the intron after coding-DNA position 72, C inserted.
Molecular consequence: intron variant.
Genome position: GRCh38 VCF-style: chr11-108227700-G-GC. GRCh37 (hg19) VCF-style: chr11-108098427-G-GC.
Other names: c.72+4_72+5insC (NM_001351834.2, NM_001351835.2, NM_001351836.2).
Identifiers: ClinVar variation 3698381 (VCV003698381.2).

ClinVar aggregate classification (germline): Uncertain significance (1 of 4 stars; one submission).

Conditions:
Ataxia-telangiectasia syndrome (AT). Also called: Ataxia telangiectasia (A-T); LOUIS-BAR SYNDROME; Cerebello-oculocutaneous telangiectasia; Immunodeficiency with ataxia telangiectasia; Ataxia-telangiectasia, complementation group E; Ataxia-telangiectasia. Identifiers: Orphanet 100, MedGen C0004135, MONDO:0008840, OMIM 208900.

Submission:

Labcorp Genetics (formerly Invitae), Labcorp
Classification: Uncertain significance for Ataxia-telangiectasia syndrome. Last evaluated: 2024-05-01. Review status: criteria provided, single submitter. Criteria: Invitae Variant Classification Sherloc (09022015). Collection method: clinical testing. Allele origin: germline.
Comment: This sequence change falls in intron 2 of the ATM gene. It does not directly change the encoded amino acid sequence of the ATM protein. It affects a nucleotide within the consensus splice site. This variant is not present in population databases (gnomAD no frequency). This variant has not been reported in the literature in individuals affected with ATM-related conditions. Variants that disrupt the consensus splice site are a relatively common cause of aberrant splicing (PMID: 17576681, 9536098). Algorithms developed to predict the effect of sequence changes on RNA splicing suggest that this variant is not likely to affect RNA splicing. In summary, the available evidence is currently insufficient to determine the role of this variant in disease. Therefore, it has been classified as a Variant of Uncertain Significance.

Literature cited by the submitters: PubMed 17576681; PubMed 9536098.